The following is an entry in ClinVar:

ClinVar aggregate classification (germline): Uncertain significance (1 of 4 stars; one submission).

Allele frequency attached by ClinVar (database versions not stated): gnomAD exomes 0.00001 and 0.00003; ExAC 0.00005; gnomAD 0.00013 and 0.00014; TOPMed 0.00013; 1000 Genomes Project 30x 0.00016; 1000 Genomes Project 0.00020; ESP Exome Variant Server 0.00024.
gnomAD v4.1: 40 of 1,612,382 alleles (0.0025%); highest among the groups gnomAD compares: African/African-American, 0.051%; no homozygotes.

Submission:

Labcorp Genetics (formerly Invitae), Labcorp
Classification: Uncertain significance. Last evaluated: 2025-06-13. Review status: criteria provided, single submitter. Criteria: Invitae Variant Classification Sherloc (09022015). Collection method: clinical testing. Allele origin: germline.
Comment: This sequence change replaces aspartic acid, which is acidic and polar, with asparagine, which is neutral and polar, at codon 158 of the DLL4 protein (p.Asp158Asn). This variant is present in population databases (rs145914797, gnomAD 0.06%), and has an allele count higher than expected for a pathogenic variant. This variant has not been reported in the literature in individuals affected with DLL4-related conditions. ClinVar contains an entry for this variant (Variation ID: 1404858). Invitae Evidence Modeling of protein sequence and biophysical properties (such as structural, functional, and spatial information, amino acid conservation, physicochemical variation, residue mobility, and thermodynamic stability) indicates that this missense variant is not expected to disrupt DLL4 protein function with a negative predictive value of 80%. In summary, the available evidence is currently insufficient to determine the role of this variant in disease. Therefore, it has been classified as a Variant of Uncertain Significance.

NM_019074.4(DLL4):c.472G>A (p.Asp158Asn)

Gene: DLL4 (delta like canonical Notch ligand 4; plus strand). Cytogenetic location: 15q15.1.
Variant type: single nucleotide variant.
Coding change: c.472G>A on transcript NM_019074.4 (MANE Select); coding-DNA position 472, G replaced by A.
Protein change: p.Asp158Asn; replaces aspartic acid 158 with asparagine.
Molecular consequence: missense variant.
Genome position (GRCh38, 1-based): chr15:40,931,580, G>A. VCF-style: chr15-40931580-G-A. GRCh37 (hg19) VCF-style: chr15-41223778-G-A.
Other names: short protein forms D158N.
Identifiers: ClinVar variation 1404858 (VCV001404858.7), dbSNP rs145914797, ClinGen allele CA7487693.